The following is an entry in ClinVar:

ClinVar aggregate classification (germline): Conflicting classifications of pathogenicity. Review status: criteria provided, conflicting classifications (1 of 4 stars). 2 submissions from 2 submitters: Uncertain significance (1); Likely benign (1). Last evaluated 2025-09-01.

Conditions:
Hereditary cancer-predisposing syndrome. Also called: Hereditary neoplastic syndrome; Neoplastic Syndromes, Hereditary; Hereditary Cancer Syndrome; Tumor predisposition. Identifiers: Orphanet 140162, MedGen C0027672, MeSH D009386, MONDO:0015356.
EGFR-related lung cancer (EGFR). Identifiers: MedGen CN130014.

Allele frequency attached by ClinVar (database versions not stated): gnomAD exomes below 0.00001 and 0.00001; ExAC 0.00001; gnomAD 0.00002 and 0.00003; TOPMed 0.00002.

Submissions (2):

Labcorp Genetics (formerly Invitae), Labcorp
Classification: Uncertain significance for EGFR-related lung cancer. Last evaluated: 2025-09-01. Review status: criteria provided, single submitter. Criteria: Invitae Variant Classification Sherloc (09022015). Collection method: clinical testing. Allele origin: germline.
Comment: This sequence change replaces methionine, which is neutral and non-polar, with threonine, which is neutral and polar, at codon 111 of the EGFR protein (p.Met111Thr). This variant is present in population databases (rs746631025, gnomAD 0.002%). This variant has not been reported in the literature in individuals affected with EGFR-related conditions. ClinVar contains an entry for this variant (Variation ID: 966885). Invitae Evidence Modeling of protein sequence and biophysical properties (such as structural, functional, and spatial information, amino acid conservation, physicochemical variation, residue mobility, and thermodynamic stability) indicates that this missense variant is not expected to disrupt EGFR protein function with a negative predictive value of 80%. In summary, the available evidence is currently insufficient to determine the role of this variant in disease. Therefore, it has been classified as a Variant of Uncertain Significance.

Ambry Genetics
Classification: Likely benign for Hereditary cancer-predisposing syndrome. Last evaluated: 2024-12-16. Review status: criteria provided, single submitter. Criteria: Ambry Variant Classification Scheme 2023. Collection method: clinical testing. Allele origin: germline.

NM_005228.5(EGFR):c.332T>C (p.Met111Thr)

Gene: EGFR (epidermal growth factor receptor; plus strand). Cytogenetic location: 7p11.2.
Variant type: single nucleotide variant.
Coding change: c.332T>C on transcript NM_005228.5 (MANE Select); coding-DNA position 332, T replaced by C.
Protein change: p.Met111Thr; replaces methionine 111 with threonine.
Molecular consequence: missense variant. On other transcripts: intron variant (1).
Genome position (GRCh38, 1-based): chr7:55,143,396, T>C. VCF-style: chr7-55143396-T-C. GRCh37 (hg19) VCF-style: chr7-55211089-T-C.
Other names: c.332T>C, p.Met111Thr (NM_001346897.2, NM_001346898.2, NM_001346899.2 and 3 more transcripts); c.173T>C, p.Met58Thr (NM_001346900.2); c.89-12434T>C (NM_001346941.2); short protein forms M111T, M58T.
Identifiers: ClinVar variation 966885 (VCV000966885.10), dbSNP rs746631025, ClinGen allele CA4265182.